The following is an entry in ClinVar:

NM_130849.4(SLC39A4):c.1202G>A (p.Trp401Ter)

Gene: SLC39A4 (solute carrier family 39 member 4; minus strand). Cytogenetic location: 8q24.3.
Variant type: single nucleotide variant.
Coding change: c.1202G>A on transcript NM_130849.4 (MANE Select); coding-DNA position 1202, G replaced by A.
Protein change: p.Trp401Ter; replaces tryptophan 401 with a stop codon.
Molecular consequence: nonsense.
Genome position (GRCh38, 1-based): chr8:144,414,043, C>T on the plus strand (G>A on the coding strand, the complement: SLC39A4 is on the minus strand). VCF-style: chr8-144414043-C-T. GRCh37 (hg19) VCF-style: chr8-145639427-C-T.
Other names: c.920G>A, p.Trp307Ter (NM_001374839.1); c.1127G>A, p.Trp376Ter (NM_017767.3); short protein forms W307*, W401*, W376*.
Identifiers: ClinVar variation 1386590 (VCV001386590.6), dbSNP rs2130796764, ClinGen allele CA372619991.

ClinVar aggregate classification (germline): Pathogenic (1 of 4 stars; one submission).

Submission:

Labcorp Genetics (formerly Invitae), Labcorp
Classification: Pathogenic. Last evaluated: 2021-12-12. Review status: criteria provided, single submitter. Criteria: Invitae Variant Classification Sherloc (09022015). Collection method: clinical testing. Allele origin: germline.
Comment: For these reasons, this variant has been classified as Pathogenic. This variant has not been reported in the literature in individuals affected with SLC39A4-related conditions. This variant is not present in population databases (gnomAD no frequency). This sequence change creates a premature translational stop signal (p.Trp401*) in the SLC39A4 gene. It is expected to result in an absent or disrupted protein product. Loss-of-function variants in SLC39A4 are known to be pathogenic (PMID: 12955721).

Literature cited by the submitters: PubMed 12955721.